The following is an entry in ClinVar:

ClinVar aggregate classification (germline): Likely benign. Review status: criteria provided, multiple submitters, no conflicts (2 of 4 stars). 6 submissions from 6 submitters: Likely benign (3). 3 of the submissions do not count toward it. Last evaluated 2026-01-19.

Conditions:
TTN-related disorder. Also called: TTN-related condition; TTN-related disease; TTN-related disorders.
Cardiovascular phenotype. Identifiers: MedGen CN230736.
Autosomal recessive limb-girdle muscular dystrophy type 2J (LGMDR10). Also called: Limb-girdle muscular dystrophy, type 2J; MUSCULAR DYSTROPHY, LIMB-GIRDLE, AUTOSOMAL RECESSIVE 10. Identifiers: Orphanet 140922, MedGen C1837342, MONDO:0012127, OMIM 608807.
Dilated cardiomyopathy 1G (CMD1G). Identifiers: Orphanet 154, MedGen C1858763, MONDO:0011400, OMIM 604145.

Allele frequency attached by ClinVar (database versions not stated): gnomAD exomes 0.00002 and 0.00003; ExAC 0.00003; ESP Exome Variant Server 0.00008; gnomAD 0.00009 and 0.00010; TOPMed 0.00012; 1000 Genomes Project 0.00020; 1000 Genomes Project 30x 0.00047.

Submissions (6):

Labcorp Genetics (formerly Invitae), Labcorp
Classification: Likely benign for Dilated cardiomyopathy 1G; Autosomal recessive limb-girdle muscular dystrophy type 2J. Last evaluated: 2026-01-19. Review status: criteria provided, single submitter. Criteria: Invitae Variant Classification Sherloc (09022015). Collection method: clinical testing. Allele origin: germline.

Blueprint Genetics
Classification: Likely benign. Last evaluated: 2023-04-18. Review status: criteria provided, single submitter. Criteria: ACMG Guidelines, 2015. Collection method: clinical testing. Allele origin: germline.

Ambry Genetics
Classification: Likely benign for Cardiovascular phenotype. Last evaluated: 2015-11-05. Review status: criteria provided, single submitter. Criteria: Ambry Variant Classification Scheme 2023. Collection method: clinical testing. Allele origin: germline.

PreventionGenetics, part of Exact Sciences
Classification: Likely benign for TTN-related condition. Last evaluated: 2019-04-11. Review status: no assertion criteria provided. Collection method: clinical testing. Allele origin: germline. Not counted in ClinVar's aggregate classification.
Comment: This variant is classified as likely benign based on ACMG/AMP sequence variant interpretation guidelines (Richards et al. 2015 PMID: 25741868, with internal and published modifications).

Clinical Genetics DNA and cytogenetics Diagnostics Lab, Erasmus MC, Erasmus Medical Center
Classification: Likely benign. Review status: no assertion criteria provided. Collection method: clinical testing. Allele origin: germline. Affected: yes. Study: VKGL Data-share Consensus. Not counted in ClinVar's aggregate classification.

Clinical Genetics, Academic Medical Center
Classification: Benign. Review status: no assertion criteria provided. Collection method: clinical testing. Allele origin: germline. Affected: yes. Study: VKGL Data-share Consensus. Not counted in ClinVar's aggregate classification.

NM_001267550.2(TTN):c.83571C>T (p.Pro27857=)

Genes: TTN (titin; minus strand), TTN-AS1 (TTN antisense RNA 1; plus strand). Cytogenetic location: 2q31.2.
Variant type: single nucleotide variant.
Coding change: c.83571C>T on transcript NM_001267550.2 (MANE Select); coding-DNA position 83571, C replaced by T.
Protein change: p.Pro27857=; no amino-acid change (proline 27857 retained).
Molecular consequence: synonymous variant.
Genome position (GRCh38, 1-based): chr2:178,562,561, G>A on the plus strand (C>T on the coding strand, the complement: TTN is on the minus strand). VCF-style: chr2-178562561-G-A. GRCh37 (hg19) VCF-style: chr2-179427288-G-A.
Other names: c.78648C>T, p.Pro26216= (NM_001256850.1); c.56376C>T, p.Pro18792= (NM_003319.4); c.75867C>T, p.Pro25289= (NM_133378.4); c.56751C>T, p.Pro18917= (NM_133432.3); c.56952C>T, p.Pro18984= (NM_133437.4).
Identifiers: ClinVar variation 264347 (VCV000264347.21), dbSNP rs368025526, ClinGen allele CA1988904.